The following is an entry in ClinVar:

ClinVar aggregate classification (germline): Uncertain significance (1 of 4 stars; one submission).

Allele frequency attached by ClinVar (database versions not stated): ExAC 0.00001; TOPMed 0.00003; gnomAD exomes 0.00002.
gnomAD v4.1: 8 of 1,614,104 alleles (0.0005%); highest among the groups gnomAD compares: African/African-American, 0.011%; no homozygotes.

Submission:

Labcorp Genetics (formerly Invitae), Labcorp
Classification: Uncertain significance. Last evaluated: 2022-08-10. Review status: criteria provided, single submitter. Criteria: Invitae Variant Classification Sherloc (09022015). Collection method: clinical testing. Allele origin: germline.
Comment: This variant has not been reported in the literature in individuals affected with CDHR1-related conditions. ClinVar contains an entry for this variant (Variation ID: 1525006). Advanced modeling of protein sequence and biophysical properties (such as structural, functional, and spatial information, amino acid conservation, physicochemical variation, residue mobility, and thermodynamic stability) performed at Invitae indicates that this missense variant is not expected to disrupt CDHR1 protein function. In summary, the available evidence is currently insufficient to determine the role of this variant in disease. Therefore, it has been classified as a Variant of Uncertain Significance. This sequence change replaces lysine, which is basic and polar, with asparagine, which is neutral and polar, at codon 582 of the CDHR1 protein (p.Lys582Asn). This variant is present in population databases (rs764520994, gnomAD 0.03%).

NM_033100.4(CDHR1):c.1746G>T (p.Lys582Asn)

Gene: CDHR1 (cadherin related family member 1; plus strand). Cytogenetic location: 10q23.1.
Variant type: single nucleotide variant.
Coding change: c.1746G>T on transcript NM_033100.4 (MANE Select); coding-DNA position 1746, G replaced by T.
Protein change: p.Lys582Asn; replaces lysine 582 with asparagine.
Molecular consequence: missense variant.
Genome position (GRCh38, 1-based): chr10:84,212,371, G>T. VCF-style: chr10-84212371-G-T. GRCh37 (hg19) VCF-style: chr10-85972127-G-T.
Other names: c.1746G>T, p.Lys582Asn (NM_001171971.3); short protein forms K582N.
Identifiers: ClinVar variation 1525006 (VCV001525006.7), dbSNP rs764520994, ClinGen allele CA5580033.